The following is an entry in ClinVar:

NM_000388.4(CASR):c.3196G>A (p.Gly1066Ser)

Gene: CASR (calcium sensing receptor; plus strand). Cytogenetic location: 3q21.1.
Variant type: single nucleotide variant.
Coding change: c.3196G>A on transcript NM_000388.4 (MANE Select); coding-DNA position 3196, G replaced by A.
Protein change: p.Gly1066Ser; replaces glycine 1066 with serine.
Molecular consequence: missense variant.
Genome position (GRCh38, 1-based): chr3:122,285,150, G>A. VCF-style: chr3-122285150-G-A. GRCh37 (hg19) VCF-style: chr3-122003997-G-A.
Other names: c.3226G>A, p.Gly1076Ser (NM_001178065.2); short protein forms G1076S, G1066S.
Identifiers: ClinVar variation 1728720 (VCV001728720.2), dbSNP rs2473284184, ClinGen allele CA354161758.

ClinVar aggregate classification (germline): Uncertain significance (1 of 4 stars; one submission).

Conditions:
Nephrolithiasis/nephrocalcinosis. Identifiers: MedGen CN580796.

Submission:

Ambry Genetics
Classification: Uncertain significance for Nephrolithiasis/nephrocalcinosis. Last evaluated: 2023-10-01. Review status: criteria provided, single submitter. Criteria: Ambry Variant Classification Scheme 2023. Collection method: clinical testing. Allele origin: germline.
Comment: The p.G1066S variant (also known as c.3196G>A), located in coding exon 6 of the CASR gene, results from a G to A substitution at nucleotide position 3196. The glycine at codon 1066 is replaced by serine, an amino acid with similar properties. This amino acid position is conserved. In addition, this alteration is predicted to be tolerated by in silico analysis. Since supporting evidence is limited at this time, the clinical significance of this alteration remains unclear.